The following is an entry in ClinVar:

NM_000535.7(PMS2):c.35C>T (p.Ala12Val)

Gene: PMS2 (PMS1 homolog 2, mismatch repair system component; minus strand). Cytogenetic location: 7p22.1.
Variant type: single nucleotide variant.
Coding change: c.35C>T on transcript NM_000535.7 (MANE Select); coding-DNA position 35, C replaced by T.
Protein change: p.Ala12Val; replaces alanine 12 with valine.
Molecular consequence: missense variant. On other transcripts: 5 prime UTR variant (8), non-coding transcript variant (1), intron variant (3).
Genome position (GRCh38, 1-based): chr7:6,006,020, G>A on the plus strand (C>T on the coding strand, the complement: PMS2 is on the minus strand). VCF-style: chr7-6006020-G-A. GRCh37 (hg19) VCF-style: chr7-6045651-G-A.
Other names: c.-371C>T (NM_001322003.2, NM_001322005.2, NM_001322009.2 and 1 more transcripts); c.35C>T, p.Ala12Val (NM_001322006.2, NM_001322014.2); c.-181C>T (NM_001322007.2); c.-850C>T (NM_001322011.2, NM_001322012.2); c.-450C>T (NM_001322015.2); c.-52-1962C>T (NM_001322008.2); c.-242-1962C>T (NM_001322010.2, NM_001322004.2); short protein forms A12V.
Identifiers: ClinVar variation 571023 (VCV000571023.9), dbSNP rs1562702377, ClinGen allele CA366745180.
Genomic context (GRCh38, chr7:6,006,020, plus strand): 5'-ACCACCTGCCCAGAGCAAATCTGATGGACTGACTTCCGATCAATAGGTTTGATGGCCTTA[G>A]CAGGTTCTGTACTAGAGAAATCAGTTACAAGAAACAAATCAAGTATTCAGCTATATATTT-3'
Protein context (NP_000526.2, residues 2-22): ERAESSSTEP[Ala12Val]KAIKPIDRKS

ClinVar aggregate classification (germline): Uncertain significance. Review status: criteria provided, multiple submitters, no conflicts (2 of 4 stars). 2 submissions from 2 submitters: Uncertain significance (2). Last evaluated 2024-04-07.

Conditions:
Hereditary nonpolyposis colorectal neoplasms. Identifiers: MedGen C0009405, MeSH D003123.
Hereditary cancer-predisposing syndrome. Also called: Hereditary neoplastic syndrome; Tumor predisposition; Neoplastic Syndromes, Hereditary; Hereditary Cancer Syndrome. Identifiers: Orphanet 140162, MedGen C0027672, MeSH D009386, MONDO:0015356.

Submissions (2):

Color Diagnostics, LLC DBA Color Health
Classification: Uncertain significance for Hereditary cancer-predisposing syndrome. Last evaluated: 2024-04-07. Review status: criteria provided, single submitter. Criteria: ACMG Guidelines, 2015. Collection method: clinical testing. Allele origin: germline.
Comment: This missense variant replaces alanine with valine at codon 12 of the PMS2 protein. Computational prediction suggests that this variant may not impact protein structure and function (internally defined REVEL score threshold <= 0.5, PMID: 27666373). To our knowledge, functional studies have not been reported for this variant. This variant has not been reported in individuals affected with PMS2-related disorders in the literature. This variant has not been identified in the general population by the Genome Aggregation Database (gnomAD). The available evidence is insufficient to determine the role of this variant in disease conclusively. Therefore, this variant is classified as a Variant of Uncertain Significance.

Labcorp Genetics (formerly Invitae), Labcorp
Classification: Uncertain significance for Hereditary nonpolyposis colorectal neoplasms. Last evaluated: 2018-04-18. Review status: criteria provided, single submitter. Criteria: Invitae Variant Classification Sherloc (09022015). Collection method: clinical testing. Allele origin: germline.
Comment: In summary, the available evidence is currently insufficient to determine the role of this variant in disease. Therefore, it has been classified as a Variant of Uncertain Significance. Algorithms developed to predict the effect of missense changes on protein structure and function do not agree on the potential impact of this missense change (SIFT: "Tolerated"; PolyPhen-2: "Probably Damaging"; Align-GVGD: "Class C0"). This variant has not been reported in the literature in individuals with PMS2-related disease. This variant is not present in population databases (ExAC no frequency). This sequence change replaces alanine with valine at codon 12 of the PMS2 protein (p.Ala12Val). The alanine residue is moderately conserved and there is a small physicochemical difference between alanine and valine.